The following is an entry in ClinVar:

NM_153033.4(KCTD7):c.*3991G>C

Gene: KCTD7 (potassium channel tetramerization domain containing 7; plus strand). Cytogenetic location: 7q11.21.
Variant type: single nucleotide variant.
Coding change: c.*3991G>C on transcript NM_153033.4; 3991 bases downstream of the stop codon, G replaced by C.
Molecular consequence: 3 prime UTR variant (on NM_001167961.2).
Genome position (GRCh38, 1-based): chr7:66,643,223, G>C. VCF-style: chr7-66643223-G-C. GRCh37 (hg19) VCF-style: chr7-66108210-G-C.
Other names: c.*2829G>C (NM_001167961.2).
Identifiers: ClinVar variation 360632 (VCV000360632.7), dbSNP rs147205609, ClinGen allele CA10629401.

ClinVar aggregate classification (germline): Likely benign (1 of 4 stars; one submission).

Conditions:
Progressive myoclonic epilepsy type 3. Also called: KCTD7-Related Progressive Myoclonic Epilepsy; EPILEPSY, PROGRESSIVE MYOCLONIC, 3, WITHOUT INTRACELLULAR INCLUSIONS; EPILEPSY, PROGRESSIVE MYOCLONIC, 3, WITH OR WITHOUT INTRACELLULAR INCLUSIONS; CEROID LIPOFUSCINOSIS, NEURONAL, 14. Identifiers: Orphanet 263516, MedGen C2673257, MONDO:0012721, OMIM 611726.

Allele frequency attached by ClinVar (database versions not stated): gnomAD 0.00159 and 0.00168; TOPMed 0.00162; 1000 Genomes Project 0.00260; 1000 Genomes Project 30x 0.00281.
gnomAD v4.1: 340 of 985,004 alleles (0.035%); highest among the groups gnomAD compares: African/African-American, 0.54%; 1 homozygote.

Submission:

Illumina Laboratory Services, Illumina
Classification: Likely benign for Progressive myoclonic epilepsy type 3. Last evaluated: 2018-01-13. Review status: criteria provided, single submitter. Criteria: ICSL Variant Classification Criteria 13 December 2019. Collection method: clinical testing. Allele origin: germline.
Comment: This variant was observed in the ICSL laboratory as part of a predisposition screen in an ostensibly healthy population. It had not been previously curated by ICSL or reported in the Human Gene Mutation Database (HGMD: prior to June 1st, 2018), and was therefore a candidate for classification through an automated scoring system. Utilizing variant allele frequency, disease prevalence and penetrance estimates, and inheritance mode, an automated score was calculated to assess if this variant is too frequent to cause the disease. Based on the score and internal cut-off values, a variant classified as likely benign is not then subjected to further curation. The score for this variant resulted in a classification of likely benign for this disease.